The following is an entry in ClinVar:

NM_006915.3(RP2):c.243_246dup (p.Ile83fs)

Gene: RP2 (RP2 activator of ARL3 GTPase; plus strand). Cytogenetic location: Xp11.3.
Variant type: Duplication.
Coding change: c.243_246dup on transcript NM_006915.3 (MANE Select); coding-DNA positions 243 to 246, 4 bases duplicated (TACC; older notation c.243_246dupTACC).
Protein change: p.Ile83fs; shifts the reading frame from isoleucine 83.
Molecular consequence: frameshift variant.
Genome position (GRCh38, 1-based): chrX:46,853,616-46,853,619, TACC duplicated. VCF-style (leftmost placement, unchanged base first): chrX-46853615-T-TTACC. GRCh37 (hg19) VCF-style: chrX-46713050-T-TTACC.
Other names: c.243_246dupTACC (NM_006915.2); short protein forms I83fs.
Identifiers: ClinVar variation 449092 (VCV000449092.2), dbSNP rs1556318579, ClinGen allele CA658658981.

ClinVar aggregate classification (germline): Pathogenic (1 of 4 stars; one submission).

Submission:

GeneDx
Classification: Pathogenic. Last evaluated: 2017-07-19. Review status: criteria provided, single submitter. Criteria: GeneDx Variant Classification (06012015). Collection method: clinical testing. Allele origin: germline. Affected: yes.
Comment: The c.243_246dupTACC variant in the RP2 gene has not been reported previously as a pathogenic variant nor as a benign variant, to our knowledge. This variant causes a frameshift starting with codon Isoleucine 83, changes this amino acid to a Tyrosine residue, and creates a premature Stop codon at position 3 of the new reading frame, denoted p.Ile83TyrfsX3. The c.243_246dupTACC variant is predicted to cause loss of normal protein function either through protein truncation or nonsense-mediated mRNA decay. This variant is not observed in large population cohorts (Lek et al., 2016; 1000 Genomes Consortium et al., 2015; Exome Variant Server). We interpret c.243_246dupTACC as a pathogenic variant.